The following is an entry in ClinVar:

NM_144988.4(ALG14):c.532G>A (p.Val178Ile)

Gene: ALG14 (ALG14 UDP-N-acetylglucosaminyltransferase subunit; minus strand). Cytogenetic location: 1p21.3.
Variant type: single nucleotide variant.
Coding change: c.532G>A on transcript NM_144988.4 (MANE Select); coding-DNA position 532, G replaced by A.
Protein change: p.Val178Ile; replaces valine 178 with isoleucine.
Molecular consequence: missense variant. On other transcripts: 3 prime UTR variant (1), non-coding transcript variant (1).
Genome position (GRCh38, 1-based): chr1:94,983,195, C>T on the plus strand (G>A on the coding strand, the complement: ALG14 is on the minus strand). VCF-style: chr1-94983195-C-T. GRCh37 (hg19) VCF-style: chr1-95448751-C-T.
Other names: c.*101G>A (NM_001305242.2); c.532G>A (NM_144988.3); short protein forms V178I.
Identifiers: ClinVar variation 1411371 (VCV001411371.5), dbSNP rs373069354, ClinGen allele CA961761.

ClinVar aggregate classification (germline): Uncertain significance. Review status: criteria provided, multiple submitters, no conflicts (2 of 4 stars). 6 submissions from 4 submitters: Uncertain significance (6). Last evaluated 2023-04-11.

Conditions:
Myopathy, epilepsy, and progressive cerebral atrophy. Identifiers: MedGen C5436652, MONDO:0033619, OMIM 619036.
Inborn genetic diseases. Identifiers: MedGen C0950123, MeSH D030342.
Congenital myasthenic syndrome 15. Also called: Myasthenic syndrome, congenital, 15, without tubular aggregates. Identifiers: Orphanet 353327, Orphanet 590, MedGen C4015596, MONDO:0014542, OMIM 616227.
Intellectual developmental disorder with epilepsy, behavioral abnormalities, and coarse facies. Identifiers: MedGen C5436646, MONDO:0033572, OMIM 619031.

Allele frequency attached by ClinVar (database versions not stated): gnomAD exomes 0.00001 and 0.00006; ExAC 0.00007; ESP Exome Variant Server 0.00008; gnomAD 0.00012 and 0.00013; TOPMed 0.00019; 1000 Genomes Project 0.00020; 1000 Genomes Project 30x 0.00031.
gnomAD v4.1: 45 of 1,614,120 alleles (0.0028%); highest among the groups gnomAD compares: African/African-American, 0.044%; no homozygotes.

Submissions (6):

Genome-Nilou Lab
Classification: Uncertain significance for Congenital myasthenic syndrome 15. Last evaluated: 2023-04-11. Review status: criteria provided, single submitter. Criteria: ACMG Guidelines, 2015. Collection method: clinical testing. Allele origin: germline. Affected: no.

Genome-Nilou Lab
Classification: Uncertain significance for Intellectual developmental disorder with epilepsy, behavioral abnormalities, and coarse facies. Last evaluated: 2023-04-11. Review status: criteria provided, single submitter. Criteria: ACMG Guidelines, 2015. Collection method: clinical testing. Allele origin: germline. Affected: no.

Genome-Nilou Lab
Classification: Uncertain significance for Myopathy, epilepsy, and progressive cerebral atrophy. Last evaluated: 2023-04-11. Review status: criteria provided, single submitter. Criteria: ACMG Guidelines, 2015. Collection method: clinical testing. Allele origin: germline. Affected: no.

Labcorp Genetics (formerly Invitae), Labcorp
Classification: Uncertain significance for Congenital myasthenic syndrome 15. Last evaluated: 2022-09-01. Review status: criteria provided, single submitter. Criteria: Invitae Variant Classification Sherloc (09022015). Collection method: clinical testing. Allele origin: germline.
Comment: This sequence change replaces valine, which is neutral and non-polar, with isoleucine, which is neutral and non-polar, at codon 178 of the ALG14 protein (p.Val178Ile). This variant is present in population databases (rs373069354, gnomAD 0.05%). This variant has not been reported in the literature in individuals affected with ALG14-related conditions. ClinVar contains an entry for this variant (Variation ID: 1411371). Algorithms developed to predict the effect of missense changes on protein structure and function are either unavailable or do not agree on the potential impact of this missense change (SIFT: "Tolerated"; PolyPhen-2: "Probably Damaging"; Align-GVGD: "Class C0"). In summary, the available evidence is currently insufficient to determine the role of this variant in disease. Therefore, it has been classified as a Variant of Uncertain Significance.

Ambry Genetics
Classification: Uncertain significance for Inborn genetic diseases. Last evaluated: 2021-08-04. Review status: criteria provided, single submitter. Criteria: Ambry Variant Classification Scheme 2023. Collection method: clinical testing. Allele origin: germline.

Breakthrough Genomics
Classification: Uncertain significance. Review status: criteria provided, single submitter. Criteria: ACMG Guidelines, 2015. Collection method: not provided. Allele origin: germline. Inheritance: Autosomal recessive inheritance. Affected: yes.